The following is an entry in ClinVar:

NM_007294.4(BRCA1):c.4912G>T (p.Glu1638Ter)

Gene: BRCA1 (BRCA1 DNA repair associated; minus strand). Cytogenetic location: 17q21.31.
Variant type: single nucleotide variant.
Coding change: c.4912G>T on transcript NM_007294.4 (MANE Select); coding-DNA position 4912, G replaced by T.
Protein change: p.Glu1638Ter; replaces glutamic acid 1638 with a stop codon.
Molecular consequence: nonsense. On other transcripts: non-coding transcript variant (1).
Genome position (GRCh38, 1-based): chr17:43,071,002, C>A on the plus strand (G>T on the coding strand, the complement: BRCA1 is on the minus strand). VCF-style: chr17-43071002-C-A. GRCh37 (hg19) VCF-style: chr17-41223019-C-A.
Other names: c.4699G>T, p.Glu1567Ter (NM_001407571.1, NM_001407897.1, NM_001407898.1 and 12 more transcripts); c.4978G>T, p.Glu1660Ter (NM_001407581.1, NM_001407582.1); c.4975G>T, p.Glu1659Ter (NM_001407583.1, NM_001407585.1, NM_001407587.1 and 1 more transcripts); c.4972G>T, p.Glu1658Ter (NM_001407590.1, NM_001407591.1); c.4912G>T, p.Glu1638Ter (NM_001407593.1, NM_001407594.1, NM_001407596.1 and 8 more transcripts); c.4909G>T, p.Glu1637Ter (NM_001407610.1, NM_001407611.1, NM_001407612.1 and 17 more transcripts); c.4906G>T, p.Glu1636Ter (NM_001407627.1, NM_001407628.1, NM_001407629.1 and 14 more transcripts); c.4900G>T, p.Glu1634Ter (NM_001407646.1); and 70 more; short protein forms E1591*, E1638*, E1659*, E534*, E1509*, E1526*, E1527*, E1550*.
Identifiers: ClinVar variation 868400 (VCV000868400.5), dbSNP rs2052380758, ClinGen allele CA10591699.

ClinVar aggregate classification (germline): Pathogenic (1 of 4 stars; one submission).

Conditions:
Hereditary cancer-predisposing syndrome. Also called: Neoplastic Syndromes, Hereditary; Tumor predisposition; Hereditary Cancer Syndrome; Hereditary neoplastic syndrome. Identifiers: Orphanet 140162, MedGen C0027672, MeSH D009386, MONDO:0015356.

Submissions (2):

Ambry Genetics
Classification: Pathogenic for Hereditary cancer-predisposing syndrome. Last evaluated: 2019-08-19. Review status: criteria provided, single submitter. Criteria: Ambry Variant Classification Scheme 2023. Collection method: clinical testing. Allele origin: germline.
Comment: The p.E1638* pathogenic mutation (also known as c.4912G>T), located in coding exon 14 of the BRCA1 gene, results from a G to T substitution at nucleotide position 4912. This changes the amino acid from a glutamic acid to a stop codon within coding exon 14. This alteration is expected to result in loss of function by premature protein truncation or nonsense-mediated mRNA decay. As such, this alteration is interpreted as a disease-causing mutation.

Brotman Baty Institute, University of Washington
No classification provided (evidence only). Condition: Breast-ovarian cancer, familial 1. Review status: no classification provided. Collection method: in vitro. Allele origin: not applicable. Functional consequence: functionally_abnormal. Not counted in ClinVar's aggregate classification.
ClinVar note: "not provided" was previously submitted as the classification for the variant. However, the classification appeared to be based only on an observation of functional data so it was converted to no classification on 2025-07-30.